The following is an entry in ClinVar:

NM_001354930.2(RIPK1):c.391G>A (p.Gly131Arg)

Gene: RIPK1 (receptor interacting serine/threonine kinase 1; plus strand). Cytogenetic location: 6p25.2.
Variant type: single nucleotide variant.
Coding change: c.391G>A on transcript NM_001354930.2 (MANE Select); coding-DNA position 391, G replaced by A.
Protein change: p.Gly131Arg; replaces glycine 131 with arginine.
Molecular consequence: missense variant. On other transcripts: 5 prime UTR variant (4), intron variant (1).
Genome position (GRCh38, 1-based): chr6:3,081,048, G>A. VCF-style: chr6-3081048-G-A. GRCh37 (hg19) VCF-style: chr6-3081282-G-A.
Other names: c.-213G>A (NM_001317061.3, NM_001354932.2, NM_001354933.2 and 1 more transcripts); c.391G>A, p.Gly131Arg (NM_003804.6); c.322-2037G>A (NM_001354931.2); short protein forms G131R.
Identifiers: ClinVar variation 3729961 (VCV003729961.2).

ClinVar aggregate classification (germline): Uncertain significance (1 of 4 stars; one submission).

gnomAD v4.1: 10 of 1,614,118 alleles (0.00062%); highest among the groups gnomAD compares: Non-Finnish European, 0.00076%; no homozygotes.

Submission:

Labcorp Genetics (formerly Invitae), Labcorp
Classification: Uncertain significance. Last evaluated: 2025-02-03. Review status: criteria provided, single submitter. Criteria: Invitae Variant Classification Sherloc (09022015). Collection method: clinical testing. Allele origin: germline.
Comment: This sequence change replaces glycine, which is neutral and non-polar, with arginine, which is basic and polar, at codon 131 of the RIPK1 protein (p.Gly131Arg). This variant is not present in population databases (gnomAD no frequency). This variant has not been reported in the literature in individuals affected with RIPK1-related conditions. An algorithm developed to predict the effect of missense changes on protein structure and function outputs the following: PolyPhen-2: "Benign". The arginine amino acid residue is found in multiple mammalian species, which suggests that this missense change does not adversely affect protein function. Algorithms developed to predict the effect of sequence changes on RNA splicing suggest that this variant may disrupt the consensus splice site. In summary, the available evidence is currently insufficient to determine the role of this variant in disease. Therefore, it has been classified as a Variant of Uncertain Significance.